The following is an entry in ClinVar:

ClinVar aggregate classification (germline): Uncertain significance (1 of 4 stars; one submission).

Submission:

Labcorp Genetics (formerly Invitae), Labcorp
Classification: Uncertain significance. Last evaluated: 2025-11-04. Review status: criteria provided, single submitter. Criteria: Invitae Variant Classification Sherloc (09022015). Collection method: clinical testing. Allele origin: germline.
Comment: This sequence change replaces alanine, which is neutral and non-polar, with valine, which is neutral and non-polar, at codon 904 of the KMT2A protein (p.Ala904Val). This variant is not present in population databases (gnomAD no frequency). This variant has not been reported in the literature in individuals affected with KMT2A-related conditions. Invitae Evidence Modeling of protein sequence and biophysical properties (such as structural, functional, and spatial information, amino acid conservation, physicochemical variation, residue mobility, and thermodynamic stability) indicates that this missense variant is not expected to disrupt KMT2A protein function with a negative predictive value of 95%. In summary, the available evidence is currently insufficient to determine the role of this variant in disease. Therefore, it has been classified as a Variant of Uncertain Significance.

NM_001197104.2(KMT2A):c.2711C>T (p.Ala904Val)

Gene: KMT2A (lysine methyltransferase 2A; plus strand). Cytogenetic location: 11q23.3.
Variant type: single nucleotide variant.
Coding change: c.2711C>T on transcript NM_001197104.2 (MANE Select); coding-DNA position 2711, C replaced by T.
Protein change: p.Ala904Val; replaces alanine 904 with valine.
Molecular consequence: missense variant.
Genome position (GRCh38, 1-based): chr11:118,473,870, C>T. VCF-style: chr11-118473870-C-T. GRCh37 (hg19) VCF-style: chr11-118344585-C-T.
Other names: c.2810C>T, p.Ala937Val (NM_001412597.1); c.2711C>T, p.Ala904Val (NM_005933.4); short protein forms A904V, A937V.
Identifiers: ClinVar variation 4800523 (VCV004800523.1).